The following is an entry in ClinVar:

NM_001267550.2(TTN):c.104687T>C (p.Leu34896Pro)

Genes: TTN-AS1 (TTN antisense RNA 1; plus strand), TTN (titin; minus strand). Cytogenetic location: 2q31.2.
Variant type: single nucleotide variant.
Coding change: c.104687T>C on transcript NM_001267550.2 (MANE Select); coding-DNA position 104687, T replaced by C.
Protein change: p.Leu34896Pro; replaces leucine 34896 with proline.
Molecular consequence: missense variant.
Genome position (GRCh38, 1-based): chr2:178,531,928, A>G on the plus strand (T>C on the coding strand, the complement: TTN is on the minus strand). VCF-style: chr2-178531928-A-G. GRCh37 (hg19) VCF-style: chr2-179396655-A-G.
Other names: c.99764T>C, p.Leu33255Pro (NM_001256850.1); c.77492T>C, p.Leu25831Pro (NM_003319.4); c.96983T>C, p.Leu32328Pro (NM_133378.4); c.77867T>C, p.Leu25956Pro (NM_133432.3); c.78068T>C, p.Leu26023Pro (NM_133437.4); short protein forms L25831P, L25956P, L26023P, L32328P, L33255P, L34896P.
Identifiers: ClinVar variation 3755031 (VCV003755031.2).

ClinVar aggregate classification (germline): Uncertain significance (1 of 4 stars; one submission).

Conditions:
Autosomal recessive limb-girdle muscular dystrophy type 2J (LGMDR10). Also called: Limb-girdle muscular dystrophy, type 2J; MUSCULAR DYSTROPHY, LIMB-GIRDLE, AUTOSOMAL RECESSIVE 10. Identifiers: Orphanet 140922, MedGen C1837342, MONDO:0012127, OMIM 608807.
Dilated cardiomyopathy 1G (CMD1G). Identifiers: Orphanet 154, MedGen C1858763, MONDO:0011400, OMIM 604145.

Submission:

Labcorp Genetics (formerly Invitae), Labcorp
Classification: Uncertain significance for Dilated cardiomyopathy 1G; Autosomal recessive limb-girdle muscular dystrophy type 2J. Last evaluated: 2024-03-07. Review status: criteria provided, single submitter. Criteria: Invitae Variant Classification Sherloc (09022015). Collection method: clinical testing. Allele origin: germline.
Comment: This sequence change replaces leucine, which is neutral and non-polar, with proline, which is neutral and non-polar, at codon 34896 of the TTN protein (p.Leu34896Pro). This variant is not present in population databases (gnomAD no frequency). This variant has not been reported in the literature in individuals affected with TTN-related conditions. Experimental studies and prediction algorithms are not available or were not evaluated, and the functional significance of this variant is currently unknown. This variant is located in the M band of TTN (PMID: 25589632). Non-truncating variants in this region may be relevant for neuromuscular disorders, but have not been definitively shown to cause cardiomyopathy (PMID: 23975875). In summary, the available evidence is currently insufficient to determine the role of this variant in disease. Therefore, it has been classified as a Variant of Uncertain Significance.

Literature cited by the submitters: PubMed 25589632; PubMed 23975875.